The following is an entry in ClinVar:

NM_004656.4(BAP1):c.1847T>G (p.Val616Gly)

Gene: BAP1 (BRCA1 associated deubiquitinase 1; minus strand). Cytogenetic location: 3p21.1.
Variant type: single nucleotide variant.
Coding change: c.1847T>G on transcript NM_004656.4 (MANE Select); coding-DNA position 1847, T replaced by G.
Protein change: p.Val616Gly; replaces valine 616 with glycine.
Molecular consequence: missense variant.
Genome position (GRCh38, 1-based): chr3:52,403,181, A>C on the plus strand (T>G on the coding strand, the complement: BAP1 is on the minus strand). VCF-style: chr3-52403181-A-C. GRCh37 (hg19) VCF-style: chr3-52437197-A-C.
Other names: c.1793T>G, p.Val598Gly (NM_001410772.1); short protein forms V616G, V598G.
Identifiers: ClinVar variation 3260380 (VCV003260380.1).
Genomic context (GRCh38, chr3:52,403,181, plus strand): 5'-CCACAACGGAGGCTCACCTTGGGTGAGTATTTCTCCCCACTCAAGGGCTCGCCAGGCCTC[A>C]CCATCCCCGTCTTCTCTCTGCTGTCCGTGGCTTCCACGACCTCCTTCTCCACTGGGCTGC-3'
Protein context (NP_004647.1, residues 606-626): ATDSREKTGM[Val616Gly]RPGEPLSGEK

ClinVar aggregate classification (germline): Uncertain significance (1 of 4 stars; one submission).

Conditions:
Hereditary cancer-predisposing syndrome. Also called: Hereditary Cancer Syndrome; Tumor predisposition; Hereditary neoplastic syndrome; Neoplastic Syndromes, Hereditary. Identifiers: Orphanet 140162, MedGen C0027672, MeSH D009386, MONDO:0015356.

Submission:

Ambry Genetics
Classification: Uncertain significance for Hereditary cancer-predisposing syndrome. Last evaluated: 2024-04-06. Review status: criteria provided, single submitter. Criteria: Ambry Variant Classification Scheme 2023. Collection method: clinical testing. Allele origin: germline.
Comment: The p.V616G variant (also known as c.1847T>G), located in coding exon 14 of the BAP1 gene, results from a T to G substitution at nucleotide position 1847. The valine at codon 616 is replaced by glycine, an amino acid with dissimilar properties. This amino acid position is conserved. In addition, this alteration is predicted to be tolerated by in silico analysis. Based on the available evidence, the clinical significance of this variant remains unclear.